The following is an entry in ClinVar:

NM_001267550.2(TTN):c.33141del (p.Thr11049fs)

Gene: TTN (titin; minus strand). Cytogenetic location: 2q31.2.
Variant type: Deletion.
Coding change: c.33141del on transcript NM_001267550.2 (MANE Select); coding-DNA position 33141, one base deleted (T; older notation c.33141delT).
Protein change: p.Thr11049fs; shifts the reading frame from threonine 11049.
Molecular consequence: frameshift variant. On other transcripts: intron variant (3).
Genome position (GRCh38, 1-based): chr2:178,681,692, A deleted on the plus strand (T on the coding strand, the reverse complement: TTN is on the minus strand); the first of 2 consecutive A bases (chr2:178,681,692-178,681,693); deleting either gives the same sequence. VCF-style (leftmost placement, unchanged base first): chr2-178681691-GA-G. GRCh37 (hg19) VCF-style: chr2-179546418-GA-G.
Other names: c.33141del (NM_001267550.1); c.32190del, p.Thr10732fs (NM_001256850.1); c.33140delT, p.Thr11049Glnfs (NM_001267550.1); c.29409del, p.Thr9805fs (NM_133378.4); c.13283-39375del (NM_003319.4); c.13859-39375del (NM_133437.4); c.13658-39375del (NM_133432.3); short protein forms T10732fs, T11049fs, T9805fs.
Identifiers: ClinVar variation 3760151 (VCV003760151.3).

ClinVar aggregate classification (germline): Conflicting classifications of pathogenicity. Review status: criteria provided, conflicting classifications (1 of 4 stars). 2 submissions from 2 submitters: Likely pathogenic (1); Uncertain significance (1). Last evaluated 2024-12-23.

Conditions:
Dilated cardiomyopathy 1G (CMD1G). Identifiers: Orphanet 154, MedGen C1858763, MONDO:0011400, OMIM 604145.
Autosomal recessive limb-girdle muscular dystrophy type 2J (LGMDR10). Also called: Limb-girdle muscular dystrophy, type 2J; MUSCULAR DYSTROPHY, LIMB-GIRDLE, AUTOSOMAL RECESSIVE 10. Identifiers: Orphanet 140922, MedGen C1837342, MONDO:0012127, OMIM 608807.

Submissions (2):

Labcorp Genetics (formerly Invitae), Labcorp
Classification: Likely pathogenic for Dilated cardiomyopathy 1G; Autosomal recessive limb-girdle muscular dystrophy type 2J. Last evaluated: 2024-12-23. Review status: criteria provided, single submitter. Criteria: Invitae Variant Classification Sherloc (09022015). Collection method: clinical testing. Allele origin: germline.
Comment: This sequence change creates a premature translational stop signal (p.Thr11049Glnfs*11) in the TTN gene. While this is not anticipated to result in nonsense mediated decay, it is expected to create a truncated TTN protein. This variant is not present in population databases (gnomAD no frequency). This variant has not been reported in the literature in individuals affected with TTN-related conditions. This variant is located in the I band of TTN (PMID: 25589632). Truncating variants in this region have been reported in individuals affected with autosomal recessive centronuclear myopathy (PMID: 23975875, internal data). Truncating variants in this region have also been identified in individuals affected with autosomal dominant dilated cardiomyopathy and/or cardio-related conditions (PMID: 27869827, 32964742, internal data). In summary, the currently available evidence indicates that the variant is pathogenic, but additional data are needed to prove that conclusively. Therefore, this variant has been classified as Likely Pathogenic.

GeneDx
Classification: Uncertain significance. Last evaluated: 2024-08-28. Review status: criteria provided, single submitter. Criteria: GeneDx Variant Classification Process June 2021. Collection method: clinical testing. Allele origin: germline. Affected: yes.
Comment: Frameshift variant predicted to result in protein truncation or nonsense mediated decay in a gene or region of a gene for which loss of function is not a well-established mechanism of disease; Not observed at significant frequency in large population cohorts (gnomAD); Has not been previously published as pathogenic or benign to our knowledge

Literature cited by the submitters: PubMed 25589632 (cited by Labcorp Genetics (formerly Invitae), Labcorp); PubMed 23975875 (cited by Labcorp Genetics (formerly Invitae), Labcorp); PubMed 27869827 (cited by Labcorp Genetics (formerly Invitae), Labcorp); PubMed 32964742 (cited by Labcorp Genetics (formerly Invitae), Labcorp).